The following is an entry in ClinVar:

NM_015967.8(PTPN22):c.1815T>C (p.Thr605=)

Genes: AP4B1-AS1 (AP4B1 antisense RNA 1; plus strand), PTPN22 (protein tyrosine phosphatase non-receptor type 22; minus strand). Cytogenetic location: 1p13.2.
Variant type: single nucleotide variant.
Coding change: c.1815T>C on transcript NM_015967.8 (MANE Select); coding-DNA position 1815, T replaced by C.
Protein change: p.Thr605=; no amino-acid change (threonine 605 retained).
Molecular consequence: synonymous variant.
Genome position (GRCh38, 1-based): chr1:113,834,989, A>G on the plus strand (T>C on the coding strand, the complement: PTPN22 is on the minus strand). VCF-style: chr1-113834989-A-G. GRCh37 (hg19) VCF-style: chr1-114377611-A-G.
Other names: c.1815T>C, p.Thr605= (NM_001193431.3); c.1743T>C, p.Thr581= (NM_001308297.2); c.1650T>C, p.Thr550= (NM_012411.6).
Identifiers: ClinVar variation 5040838 (VCV005040838.1).

ClinVar aggregate classification (germline): Likely benign (1 of 4 stars; one submission).

gnomAD v4.1: 428 of 1,540,832 alleles (0.028%); highest among the groups gnomAD compares: Non-Finnish European, 0.029%; 1 homozygote.

Submission:

CeGaT Center for Human Genetics Tuebingen
Classification: Likely benign. Last evaluated: 2026-09-01. Review status: criteria provided, single submitter. Criteria: CeGaT Center For Human Genetics Tuebingen Variant Classification Criteria Version 2. Collection method: clinical testing. Allele origin: germline. Affected: yes. Observed: 1 variant allele.
Comment: PTPN22: BP4, BP7